The following is an entry in ClinVar:

NM_001135022.2(ELMOD3):c.517C>G (p.Arg173Gly)

Gene: ELMOD3 (ELMO domain containing 3; plus strand). Cytogenetic location: 2p11.2.
Variant type: single nucleotide variant.
Coding change: c.517C>G on transcript NM_001135022.2 (MANE Select); coding-DNA position 517, C replaced by G.
Protein change: p.Arg173Gly; replaces arginine 173 with glycine.
Molecular consequence: missense variant. On other transcripts: non-coding transcript variant (1).
Genome position (GRCh38, 1-based): chr2:85,371,472, C>G. VCF-style: chr2-85371472-C-G. GRCh37 (hg19) VCF-style: chr2-85598595-C-G.
Other names: c.517C>G, p.Arg173Gly (NM_001135021.2, NM_001135023.2, NM_001329791.2 and 3 more transcripts); c.517C>G (NM_001135021.1); short protein forms R173G.
Identifiers: ClinVar variation 2858944 (VCV002858944.5), dbSNP rs575583374, ClinGen allele CA1740380.
Genomic context (GRCh38, chr2:85,371,472, plus strand): 5'-CAGAGAGTGTGGGTGTGTTTTGGGGCAGGTGGCCTGGATAGCCAAGACCCAGTGCATGGC[C>G]GAGTCCTCCAGACCATCTATAAGAAGCTGACCGGCTCCAAGTTTGACTGTGCCCTTCATG-3'
Protein context (NP_001128494.1, residues 163-183): GLDSQDPVHG[Arg173Gly]VLQTIYKKLT

ClinVar aggregate classification (germline): Likely benign. Review status: criteria provided, single submitter (1 of 4 stars). 2 submissions from 2 submitters: Likely benign (1). 1 of the submissions does not count toward it. Last evaluated 2025-12-08.

Conditions:
ELMOD3-related disorder. Also called: ELMOD3-related condition.

Allele frequency attached by ClinVar (database versions not stated): 1000 Genomes Project 0.00100; 1000 Genomes Project 30x 0.00094; ExAC 0.00059.
gnomAD v4.1: 524 of 1,614,178 alleles (0.032%); highest among the groups gnomAD compares: South Asian, 0.55%; 4 homozygotes.

Submissions (2):

Labcorp Genetics (formerly Invitae), Labcorp
Classification: Likely benign. Last evaluated: 2025-12-08. Review status: criteria provided, single submitter. Criteria: Invitae Variant Classification Sherloc (09022015). Collection method: clinical testing. Allele origin: germline.

PreventionGenetics, part of Exact Sciences
Classification: Likely benign for ELMOD3-related condition. Last evaluated: 2023-10-17. Review status: no assertion criteria provided. Collection method: clinical testing. Allele origin: germline. Not counted in ClinVar's aggregate classification.
Comment: This variant is classified as likely benign based on ACMG/AMP sequence variant interpretation guidelines (Richards et al. 2015 PMID: 25741868, with internal and published modifications).